The following is an entry in ClinVar:

NM_001200.4(BMP2):c.-7-77G>T

Gene: BMP2 (bone morphogenetic protein 2; plus strand). Cytogenetic location: 20p12.3.
Variant type: single nucleotide variant.
Coding change: c.-7-77G>T on transcript NM_001200.4 (MANE Select); 77 bases into the intron before 7 bases upstream of the start codon, G replaced by T.
Molecular consequence: intron variant.
Genome position (GRCh38, 1-based): chr20:6,770,043, G>T. VCF-style: chr20-6770043-G-T. GRCh37 (hg19) VCF-style: chr20-6750690-G-T.
Identifiers: ClinVar variation 4856188 (VCV004856188.1).
Genomic context (GRCh38, chr20:6,770,043, plus strand): 5'-CTAGACTCGTGAGTGTGCCAAGCCAGGAGGGCATCCTGGAGGAGGCACGCCAGCCAAATG[G>T]GAGACCGGGCCGCGGGGGCGCGAGGGGGGAGGACTGGGCGGGGAACTCGGGTGACTCACG-3'

ClinVar aggregate classification (germline): Uncertain significance (1 of 4 stars; one submission).

Conditions:
Short stature, facial dysmorphism, and skeletal anomalies with or without cardiac anomalies 1. Identifiers: MedGen C5542952, MONDO:0100297, OMIM 617877.

Submission:

3billion
Classification: Uncertain significance for Short stature, facial dysmorphism, and skeletal anomalies with or without cardiac anomalies 1. Last evaluated: 2025-09-21. Review status: criteria provided, single submitter. Criteria: ACMG Guidelines, 2015. Collection method: clinical testing. Allele origin: germline. Affected: yes.
Comment: The variant is not observed in the gnomAD v4.1.0 dataset. Predicted Consequence/Location: Intron variant In silico tools predict the variant to alter splicing and produce an abnormal transcript [SpliceAI: 0.71 (>=0.2, moderate evidence for spliceogenicity)]. Therefore, this variant is classified as VUS according to the recommendation of ACMG/AMP guideline.